The following is an entry in ClinVar:

ClinVar aggregate classification (germline): Benign. Review status: criteria provided, multiple submitters, no conflicts (2 of 4 stars). 2 submissions from 2 submitters: Benign (2). Last evaluated 2017-04-27.

Conditions:
X-linked lymphoproliferative disease due to XIAP deficiency. Also called: XIAP DEFICIENCY; XIAP-Related Lymphoproliferative Disease, X-Linked. Identifiers: Orphanet 2442, Orphanet 538934, MedGen C1845076, MONDO:0010385, OMIM 300635.

Allele frequency attached by ClinVar (database versions not stated): gnomAD 0.18781 and 0.19480; TOPMed 0.19304; gnomAD exomes 0.23747 and 0.24523; 1000 Genomes Project 30x 0.25702; 1000 Genomes Project 0.26649; ExAC 0.32783.

Submissions (2):

Illumina Laboratory Services, Illumina
Classification: Benign for X-linked lymphoproliferative disease due to XIAP deficiency. Last evaluated: 2017-04-27. Review status: criteria provided, single submitter. Criteria: ICSL Variant Classification Criteria 13 December 2019. Collection method: clinical testing. Allele origin: germline.
Comment: This variant was observed as part of a predisposition screen in an ostensibly healthy population. A literature search was performed for the gene, cDNA change, and amino acid change (where applicable). No publications were found based on this search. Allele frequency data from public databases was too high to be consistent with this variant causing disease. Therefore, this variant is classified as benign.

Breakthrough Genomics
Classification: Benign. Review status: criteria provided, single submitter. Criteria: ACMG Guidelines, 2015. Collection method: not provided. Allele origin: germline. Inheritance: X-linked inheritance. Affected: yes.

NM_001167.4(XIAP):c.*4884C>T

Gene: XIAP (X-linked inhibitor of apoptosis; plus strand). Cytogenetic location: Xq25.
Variant type: single nucleotide variant.
Coding change: c.*4884C>T on transcript NM_001167.4 (MANE Select); 4884 bases downstream of the stop codon, C replaced by T.
Molecular consequence: 3 prime UTR variant. On other transcripts: non-coding transcript variant (2).
Genome position (GRCh38, 1-based): chrX:123,912,065, C>T. VCF-style: chrX-123912065-C-T. GRCh37 (hg19) VCF-style: chrX-123045915-C-T.
Other names: c.*4884C>T (NM_001204401.2, NM_001378590.1, NM_001378591.1 and 1 more transcripts).
Identifiers: ClinVar variation 367838 (VCV000367838.6), dbSNP rs8371, ClinGen allele CA10508371.